The following is an entry in ClinVar:

NM_182961.4(SYNE1):c.1172del (p.Arg391fs)

Gene: SYNE1 (spectrin repeat containing nuclear envelope protein 1; minus strand). Cytogenetic location: 6q25.2.
Variant type: Deletion.
Coding change: c.1172del on transcript NM_182961.4 (MANE Select); coding-DNA position 1172, one base deleted (G; older notation c.1172delG).
Protein change: p.Arg391fs; shifts the reading frame from arginine 391.
Molecular consequence: frameshift variant.
Genome position (GRCh38, 1-based): chr6:152,484,848, C deleted on the plus strand (G on the coding strand, the reverse complement: SYNE1 is on the minus strand). VCF-style (leftmost placement, unchanged base first): chr6-152484847-TC-T. GRCh37 (hg19) VCF-style: chr6-152805982-TC-T.
Other names: c.1193del, p.Arg398fs (NM_033071.5); short protein forms R391fs, R398fs.
Identifiers: ClinVar variation 3761681 (VCV003761681.2).

ClinVar aggregate classification (germline): Pathogenic (1 of 4 stars; one submission).

Conditions:
Emery-Dreifuss muscular dystrophy 4, autosomal dominant (EDMD4). Also called: EMERY-DREIFUSS MUSCULAR DYSTROPHY 4 WITH VARIABLE FEATURES. Identifiers: Orphanet 261, MedGen C2751807, MONDO:0013071, OMIM 612998.
Autosomal recessive ataxia, Beauce type. Also called: Spinocerebellar ataxia, autosomal recessive 8; ATAXIA, RECESSIVE, OF BEAUCE; SYNE1-Related Autosomal Recessive Cerebellar Ataxia; SYNE1 Deficiency. Identifiers: Orphanet 88644, MedGen C1853116, MONDO:0012549, OMIM 610743.

Submission:

Labcorp Genetics (formerly Invitae), Labcorp
Classification: Pathogenic for Emery-Dreifuss muscular dystrophy 4, autosomal dominant; Autosomal recessive ataxia, Beauce type. Last evaluated: 2025-02-13. Review status: criteria provided, single submitter. Criteria: Invitae Variant Classification Sherloc (09022015). Collection method: clinical testing. Allele origin: germline.
Comment: This sequence change creates a premature translational stop signal (p.Arg398Lysfs*2) in the SYNE1 gene. It is expected to result in an absent or disrupted protein product. Loss-of-function variants in SYNE1 are known to be pathogenic (PMID: 19542096, 24319099, 27086870). This variant is present in population databases (rs754275743, gnomAD 0.007%). This variant has not been reported in the literature in individuals affected with SYNE1-related conditions. For these reasons, this variant has been classified as Pathogenic.

Literature cited by the submitters: PubMed 19542096; PubMed 24319099; PubMed 27086870.